The following is an entry in ClinVar:

NM_000628.5(IL10RB):c.91T>A (p.Ser31Thr)

Genes: IFNAR2-IL10RB (IFNAR2-IL10RB readthrough; plus strand), IL10RB (interleukin 10 receptor subunit beta; plus strand). Cytogenetic location: 21q22.11.
Variant type: single nucleotide variant.
Coding change: c.91T>A on transcript NM_000628.5 (MANE Select); coding-DNA position 91, T replaced by A.
Protein change: p.Ser31Thr; replaces serine 31 with threonine.
Molecular consequence: missense variant.
Genome position (GRCh38, 1-based): chr21:33,268,435, T>A. VCF-style: chr21-33268435-T-A. GRCh37 (hg19) VCF-style: chr21-34640740-T-A.
Other names: short protein forms S31T.
Identifiers: ClinVar variation 1026087 (VCV001026087.9), dbSNP rs1989013997, ClinGen allele CA410107066.
Genomic context (GRCh38, chr21:33,268,435, plus strand): 5'-TTTTGTCTTATTTTCATAGCATTGGGAATGGTACCACCTCCCGAAAATGTCAGAATGAAT[T>A]CTGTTAATTTCAAGAACATTCTACAGTGGGAGTCACCTGCTTTTGCCAAAGGGAACCTGA-3'
Protein context (NP_000619.3, residues 21-41): VPPPENVRMN[Ser31Thr]VNFKNILQWE

ClinVar aggregate classification (germline): Uncertain significance (1 of 4 stars; one submission).

Conditions:
Inflammatory bowel disease 25. Also called: Inflammatory bowel disease 25, early onset, autosomal recessive. Identifiers: Orphanet 238569, MedGen C2675508, MONDO:0012941, OMIM 612567.

Allele frequency attached by ClinVar (database versions not stated): gnomAD exomes 0.00002.
gnomAD v4.1: 18 of 1,614,126 alleles (0.0011%); highest among the groups gnomAD compares: Non-Finnish European, 0.0014%; no homozygotes.

Submission:

Labcorp Genetics (formerly Invitae), Labcorp
Classification: Uncertain significance for Inflammatory bowel disease 25. Last evaluated: 2022-08-09. Review status: criteria provided, single submitter. Criteria: Invitae Variant Classification Sherloc (09022015). Collection method: clinical testing. Allele origin: germline.
Comment: This variant has not been reported in the literature in individuals affected with IL10RB-related conditions. In summary, the available evidence is currently insufficient to determine the role of this variant in disease. Therefore, it has been classified as a Variant of Uncertain Significance. Algorithms developed to predict the effect of missense changes on protein structure and function are either unavailable or do not agree on the potential impact of this missense change (SIFT: "Tolerated"; PolyPhen-2: "Probably Damaging"; Align-GVGD: "Class C0"). ClinVar contains an entry for this variant (Variation ID: 1026087). This variant is not present in population databases (gnomAD no frequency). This sequence change replaces serine, which is neutral and polar, with threonine, which is neutral and polar, at codon 31 of the IL10RB protein (p.Ser31Thr).